The following is an entry in ClinVar:

ClinVar aggregate classification (germline): Uncertain significance (1 of 4 stars; one submission).

Allele frequency attached by ClinVar (database versions not stated): gnomAD exomes 0.00002; ExAC 0.00007; ESP Exome Variant Server 0.00008; TOPMed 0.00010; gnomAD 0.00011; 1000 Genomes Project 0.00020; 1000 Genomes Project 30x 0.00031.
gnomAD v4.1: 39 of 1,613,208 alleles (0.0024%); highest among the groups gnomAD compares: African/African-American, 0.043%; no homozygotes.

Submission:

Labcorp Genetics (formerly Invitae), Labcorp
Classification: Uncertain significance. Last evaluated: 2025-06-09. Review status: criteria provided, single submitter. Criteria: Invitae Variant Classification Sherloc (09022015). Collection method: clinical testing. Allele origin: germline.
Comment: This sequence change replaces valine, which is neutral and non-polar, with isoleucine, which is neutral and non-polar, at codon 834 of the AP3D1 protein (p.Val834Ile). This variant is present in population databases (rs371027296, gnomAD 0.08%). This variant has not been reported in the literature in individuals affected with AP3D1-related conditions. ClinVar contains an entry for this variant (Variation ID: 2148375). An algorithm developed to predict the effect of missense changes on protein structure and function outputs the following: PolyPhen-2: "Benign". The isoleucine amino acid residue is found in multiple mammalian species, which suggests that this missense change does not adversely affect protein function. In summary, the available evidence is currently insufficient to determine the role of this variant in disease. Therefore, it has been classified as a Variant of Uncertain Significance.

NM_001261826.3(AP3D1):c.2500G>A (p.Val834Ile)

Gene: AP3D1 (adaptor related protein complex 3 subunit delta 1; minus strand). Cytogenetic location: 19p13.3.
Variant type: single nucleotide variant.
Coding change: c.2500G>A on transcript NM_001261826.3 (MANE Select); coding-DNA position 2500, G replaced by A.
Protein change: p.Val834Ile; replaces valine 834 with isoleucine.
Molecular consequence: missense variant.
Genome position (GRCh38, 1-based): chr19:2,114,226, C>T on the plus strand (G>A on the coding strand, the complement: AP3D1 is on the minus strand). VCF-style: chr19-2114226-C-T. GRCh37 (hg19) VCF-style: chr19-2114225-C-T.
Other names: c.2500G>A, p.Val834Ile (NM_001374799.1, NM_003938.8); short protein forms V834I.
Identifiers: ClinVar variation 2148375 (VCV002148375.4), dbSNP rs371027296, ClinGen allele CA9058831.
Genomic context (GRCh38, chr19:2,114,226, plus strand): 5'-TCTCTTTGTGTTTTTTCTCTTTCTTCTTGGGTTTCTTGCTCTTCTTTTCTACCATGGGAA[C>T]GTCCTTCTCAGGGGATTTTGAGGTCTCGGTGTTTCTGTGTTTCTGAATAGGCAGTTTCTC-3'
Protein context (NP_001248755.1, residues 824-844): TETSKSPEKD[Val834Ile]PMVEKKSKKP